The following is an entry in ClinVar:

NM_000135.4(FANCA):c.1934C>T (p.Ser645Phe)

Gene: FANCA (FA complementation group A; minus strand). Cytogenetic location: 16q24.3.
Variant type: single nucleotide variant.
Coding change: c.1934C>T on transcript NM_000135.4 (MANE Select); coding-DNA position 1934, C replaced by T.
Protein change: p.Ser645Phe; replaces serine 645 with phenylalanine.
Molecular consequence: missense variant.
Genome position (GRCh38, 1-based): chr16:89,773,351, G>A on the plus strand (C>T on the coding strand, the complement: FANCA is on the minus strand). VCF-style: chr16-89773351-G-A. GRCh37 (hg19) VCF-style: chr16-89839759-G-A.
Other names: c.1934C>T (LRG_495t1); c.1934C>T, p.Ser645Phe (NM_001286167.3); short protein forms S645F.
Identifiers: ClinVar variation 526373 (VCV000526373.8), dbSNP rs776682683, ClinGen allele CA8251970.
Genomic context (GRCh38, chr16:89,773,351, plus strand): 5'-GTCATGGAGGCTCTCAGCTCTCCCAGTGCAGCTGTGAGCTGTCCCAGGGGCTCCTCAGCA[G>A]AGTTGGGTTCTGCCCTCACTCCCAGGGCTGCATCTGTGAGAAGAAGGAAGAAACCAGATG-3'
Protein context (NP_000126.2, residues 635-655): AALGVRAEPN[Ser645Phe]AEEPLGQLTA

ClinVar aggregate classification (germline): Uncertain significance. Review status: criteria provided, multiple submitters, no conflicts (2 of 4 stars). 4 submissions from 4 submitters: Uncertain significance (3). 1 of the submissions does not count toward it. Last evaluated 2025-03-18.

Conditions:
Inborn genetic diseases. Identifiers: MedGen C0950123, MeSH D030342.
Fanconi anemia complementation group A (FANCA). Also called: FANCA-Related Fanconi Anemia; Fanconi anemia, group A. Identifiers: Orphanet 84, MedGen C3469521, MONDO:0009215, OMIM 227650.
Fanconi anemia (FA). Also called: Fanconi's anemia. Identifiers: Orphanet 84, MedGen C0015625, MeSH D005199, MONDO:0019391.

Allele frequency attached by ClinVar (database versions not stated): gnomAD exomes 0.00001; TOPMed 0.00001; ExAC 0.00005.
gnomAD v4.1: 14 of 1,551,608 alleles (0.0009%); highest among the groups gnomAD compares: Non-Finnish European, 0.0012%; no homozygotes.

Submissions (4):

Ambry Genetics
Classification: Uncertain significance for Inborn genetic diseases. Last evaluated: 2025-03-18. Review status: criteria provided, single submitter. Criteria: Ambry Variant Classification Scheme 2023. Collection method: clinical testing. Allele origin: germline.
Comment: The p.S645F variant (also known as c.1934C>T), located in coding exon 22 of the FANCA gene, results from a C to T substitution at nucleotide position 1934. The serine at codon 645 is replaced by phenylalanine, an amino acid with highly dissimilar properties. This amino acid position is conserved. In addition, this alteration is predicted to be tolerated by in silico analysis. Based on the available evidence, the clinical significance of this variant remains unclear.

Fulgent Genetics
Classification: Uncertain significance for Fanconi anemia complementation group A. Last evaluated: 2022-04-29. Review status: criteria provided, single submitter. Criteria: ACMG Guidelines, 2015. Collection method: clinical testing. Allele origin: unknown.

Labcorp Genetics (formerly Invitae), Labcorp
Classification: Uncertain significance for Fanconi anemia. Last evaluated: 2021-08-27. Review status: criteria provided, single submitter. Criteria: Invitae Variant Classification Sherloc (09022015). Collection method: clinical testing. Allele origin: germline.
Comment: This sequence change replaces serine with phenylalanine at codon 645 of the FANCA protein (p.Ser645Phe). The serine residue is weakly conserved and there is a large physicochemical difference between serine and phenylalanine. This variant is present in population databases (rs776682683, ExAC 0.01%). This variant has not been reported in the literature in individuals affected with FANCA-related conditions. Algorithms developed to predict the effect of missense changes on protein structure and function are either unavailable or do not agree on the potential impact of this missense change (SIFT: "Tolerated"; PolyPhen-2: "Possibly Damaging"; Align-GVGD: "Class C0"). In summary, the available evidence is currently insufficient to determine the role of this variant in disease. Therefore, it has been classified as a Variant of Uncertain Significance.

Natera, Inc.
Classification: Uncertain significance for Fanconi anemia. Last evaluated: 2020-12-02. Review status: no assertion criteria provided. Collection method: clinical testing. Allele origin: germline. Not counted in ClinVar's aggregate classification.